The following is an entry in ClinVar:

ClinVar aggregate classification (germline): Likely pathogenic (1 of 4 stars; one submission).

Conditions:
Palatal anomalies-widely spaced teeth-facial dysmorphism-developmental delay syndrome. Also called: Cleft palate, psychomotor retardation, and distinctive facial features. Identifiers: Orphanet 477993, MedGen C4225229, MONDO:0014751, OMIM 616728.

Submission:

Center for Human Genetics and Genomic Medicine, Uniklinik Rwth Aachen
Classification: Likely pathogenic for Palatal anomalies-widely spaced teeth-facial dysmorphism-developmental delay syndrome. Last evaluated: 2026-07-27. Review status: criteria provided, single submitter. Criteria: ACMG Guidelines, 2015. Collection method: clinical testing. Allele origin: de novo. Inheritance: Autosomal dominant inheritance. Affected: yes. Observed: 1 variant allele, 1 heterozygote.
Comment: The variant is absent from large population databases (PM2_sup). Bioinformatic prediction tools indicate pathogenicity (PP3_mod). The variant was not detected in the parental samples (maternity and paternity confirmed) (PS2).

NM_001009999.3(KDM1A):c.1717C>G (p.Leu573Val)

Gene: KDM1A (lysine demethylase 1A; plus strand). Cytogenetic location: 1p36.12.
Variant type: single nucleotide variant.
Coding change: c.1717C>G on transcript NM_001009999.3 (MANE Select); coding-DNA position 1717, C replaced by G.
Protein change: p.Leu573Val; replaces leucine 573 with valine.
Molecular consequence: missense variant.
Genome position (GRCh38, 1-based): chr1:23,073,386, C>G. VCF-style: chr1-23073386-C-G. GRCh37 (hg19) VCF-style: chr1-23399879-C-G.
Other names: c.1663C>G, p.Leu555Val (NM_001363654.2); c.1723C>G, p.Leu575Val (NM_001410762.1); c.1645C>G, p.Leu549Val (NM_001410763.1, NM_015013.4); short protein forms L549V, L555V, L573V, L575V.
Identifiers: ClinVar variation 4884715 (VCV004884715.1).